The following is an entry in ClinVar:

NM_001348041.4(BBS9):c.2711A>G (p.Glu904Gly)

Gene: BBS9 (Bardet-Biedl syndrome 9; plus strand). Cytogenetic location: 7p14.3.
Variant type: single nucleotide variant.
Coding change: c.2711A>G on transcript NM_001348041.4; coding-DNA position 2711, A replaced by G.
Protein change: p.Glu904Gly; replaces glutamic acid 904 with glycine.
Molecular consequence: missense variant.
Genome position (GRCh38, 1-based): chr7:33,635,255, A>G. VCF-style: chr7-33635255-A-G. GRCh37 (hg19) VCF-style: chr7-33674867-A-G.
Other names: c.2600A>G, p.Glu867Gly (NM_001362679.1); short protein forms E867G, E904G.
Identifiers: ClinVar variation 2629330 (VCV002629330.3), dbSNP rs1182975633, ClinGen allele CA837807361.

ClinVar aggregate classification (germline): Uncertain significance (1 of 4 stars; one submission).

Conditions:
BBS9-related disorder. Also called: BBS9-related condition.

Allele frequency attached by ClinVar (database versions not stated): gnomAD 0.00001; TOPMed 0.00005.
gnomAD v4.1: 1 of 152,156 alleles (0.00066%); highest among the groups gnomAD compares: African/African-American, 0.0024%; no homozygotes.

Submission:

PreventionGenetics, part of Exact Sciences
Classification: Uncertain significance for BBS9-related condition. Last evaluated: 2025-08-18. Review status: criteria provided, single submitter. Criteria: ACMG Guidelines, 2015. Collection method: clinical testing. Allele origin: germline.
Comment: The BBS9 c.2711A>G variant is predicted to result in the amino acid substitution p.Glu904Gly. To our knowledge, this variant has not been reported in the literature or in a large population database, indicating this variant is rare. At this time, the clinical significance of this variant is uncertain due to the absence of conclusive functional and genetic evidence.